The following is an entry in ClinVar:

NM_001271.4(CHD2):c.3151C>A (p.Gln1051Lys)

Gene: CHD2 (chromodomain helicase DNA binding protein 2; plus strand). Cytogenetic location: 15q26.1.
Variant type: single nucleotide variant.
Coding change: c.3151C>A on transcript NM_001271.4 (MANE Select); coding-DNA position 3151, C replaced by A.
Protein change: p.Gln1051Lys; replaces glutamine 1051 with lysine.
Molecular consequence: missense variant.
Genome position (GRCh38, 1-based): chr15:92,984,414, C>A. VCF-style: chr15-92984414-C-A. GRCh37 (hg19) VCF-style: chr15-93527644-C-A.
Other names: short protein forms Q1051K.
Identifiers: ClinVar variation 2010203 (VCV002010203.4), dbSNP rs888718300, ClinGen allele CA393895254.

ClinVar aggregate classification (germline): Uncertain significance (1 of 4 stars; one submission).

Conditions:
Developmental and epileptic encephalopathy 94 (DEE94). Also called: Epileptic encephalopathy, childhood-onset; CHD2-Related Neurodevelopmental Disorders. Identifiers: Orphanet 1942, Orphanet 2382, MedGen C3809278, MONDO:0014150, OMIM 615369.

Submission:

Labcorp Genetics (formerly Invitae), Labcorp
Classification: Uncertain significance for Developmental and epileptic encephalopathy 94. Last evaluated: 2022-06-24. Review status: criteria provided, single submitter. Criteria: Invitae Variant Classification Sherloc (09022015). Collection method: clinical testing. Allele origin: germline.
Comment: In summary, the available evidence is currently insufficient to determine the role of this variant in disease. Therefore, it has been classified as a Variant of Uncertain Significance. Advanced modeling of protein sequence and biophysical properties (such as structural, functional, and spatial information, amino acid conservation, physicochemical variation, residue mobility, and thermodynamic stability) performed at Invitae indicates that this missense variant is not expected to disrupt CHD2 protein function. This variant has not been reported in the literature in individuals affected with CHD2-related conditions. This variant is not present in population databases (gnomAD no frequency). This sequence change replaces glutamine, which is neutral and polar, with lysine, which is basic and polar, at codon 1051 of the CHD2 protein (p.Gln1051Lys).